The following is an entry in ClinVar:

NM_017837.4(PIGV):c.650A>C (p.Gln217Pro)

Gene: PIGV (phosphatidylinositol glycan anchor biosynthesis class V; plus strand). Cytogenetic location: 1p36.11.
Variant type: single nucleotide variant.
Coding change: c.650A>C on transcript NM_017837.4 (MANE Select); coding-DNA position 650, A replaced by C.
Protein change: p.Gln217Pro; replaces glutamine 217 with proline.
Molecular consequence: missense variant. On other transcripts: non-coding transcript variant (1), intron variant (3).
Genome position (GRCh38, 1-based): chr1:26,794,684, A>C. VCF-style: chr1-26794684-A-C. GRCh37 (hg19) VCF-style: chr1-27121175-A-C.
Other names: c.650A>C, p.Gln217Pro (NM_001202554.2, NM_001374478.1, NM_001374480.1 and 2 more transcripts); c.269A>C, p.Gln90Pro (NM_001374483.1); c.173-150A>C (NM_001374484.1, NM_001374485.1); c.79-2879A>C (NM_001374486.1); short protein forms Q217P, Q90P.
Identifiers: ClinVar variation 1525135 (VCV001525135.6), dbSNP rs2081357206, ClinGen allele CA339200193.

ClinVar aggregate classification (germline): Uncertain significance (1 of 4 stars; one submission).

Allele frequency attached by ClinVar (database versions not stated): gnomAD exomes below 0.00001.

Submission:

Labcorp Genetics (formerly Invitae), Labcorp
Classification: Uncertain significance. Last evaluated: 2021-10-13. Review status: criteria provided, single submitter. Criteria: Invitae Variant Classification Sherloc (09022015). Collection method: clinical testing. Allele origin: germline.
Comment: In summary, the available evidence is currently insufficient to determine the role of this variant in disease. Therefore, it has been classified as a Variant of Uncertain Significance. Algorithms developed to predict the effect of missense changes on protein structure and function (SIFT, PolyPhen-2, Align-GVGD) all suggest that this variant is likely to be tolerated. This variant has not been reported in the literature in individuals affected with PIGV-related conditions. This variant is not present in population databases (ExAC no frequency). This sequence change replaces glutamine with proline at codon 217 of the PIGV protein (p.Gln217Pro). The glutamine residue is weakly conserved and there is a moderate physicochemical difference between glutamine and proline.